The following is an entry in ClinVar:

ClinVar aggregate classification (germline): Uncertain significance. Review status: criteria provided, multiple submitters, no conflicts (2 of 4 stars). 5 submissions from 5 submitters: Uncertain significance (5). Last evaluated 2026-04-20.

Conditions:
Inborn genetic diseases. Identifiers: MedGen C0950123, MeSH D030342.

Allele frequency attached by ClinVar (database versions not stated): TOPMed 0.00007; gnomAD 0.00014.

Submissions (5):

Women's Health and Genetics/Laboratory Corporation of America, LabCorp
Classification: Uncertain significance. Last evaluated: 2026-04-20. Review status: criteria provided, single submitter. Criteria: LabCorp Variant Classification Summary - May 2015. Collection method: clinical testing. Allele origin: germline.

Labcorp Genetics (formerly Invitae), Labcorp
Classification: Uncertain significance. Last evaluated: 2025-01-23. Review status: criteria provided, single submitter. Criteria: Invitae Variant Classification Sherloc (09022015). Collection method: clinical testing. Allele origin: germline.
Comment: This sequence change replaces arginine, which is basic and polar, with cysteine, which is neutral and slightly polar, at codon 39 of the PAX1 protein (p.Arg39Cys). This variant is present in population databases (rs756490329, gnomAD 0.03%). This variant has not been reported in the literature in individuals affected with PAX1-related conditions. ClinVar contains an entry for this variant (Variation ID: 423294). An algorithm developed to predict the effect of missense changes on protein structure and function (PolyPhen-2) suggests that this variant¬†is likely to be tolerated. In summary, the available evidence is currently insufficient to determine the role of this variant in disease. Therefore, it has been classified as a Variant of Uncertain Significance.

Blueprint Genetics
Classification: Uncertain significance. Last evaluated: 2024-08-05. Review status: criteria provided, single submitter. Criteria: ACMG Guidelines, 2015. Collection method: clinical testing. Allele origin: germline.

Ambry Genetics
Classification: Uncertain significance for Inborn genetic diseases. Last evaluated: 2024-02-13. Review status: criteria provided, single submitter. Criteria: Ambry Variant Classification Scheme 2023. Collection method: clinical testing. Allele origin: germline.

GeneDx
Classification: Uncertain significance. Last evaluated: 2018-04-10. Review status: criteria provided, single submitter. Criteria: GeneDx Variant Classification (06012015). Collection method: clinical testing. Allele origin: germline. Affected: yes.
Comment: The R39C variant in the PAX1 gene gene has not been reported previously as a pathogenic variant, nor as a benign variant, to our knowledge. The R39C variant is not observed at a significant frequency in large population cohorts; however, limited data are available (Lek et al., 2016; 1000 Genomes Consortium et al., 2015; Exome Variant Server). The R39C variant is a non-conservative amino acid substitution, which is likely to impact secondary protein structure as these residues differ in polarity, charge, size and/or other properties. However, this substitution occurs at a position that is not conserved. In addition, in silico analysis is inconsistent in its predictions as to whether or not the variant is damaging to the protein structure/function. We interpret R39C as a variant of uncertain significance.

NM_001257096.2(PAX1):c.115C>T (p.Arg39Cys)

Gene: PAX1 (paired box 1; plus strand). Cytogenetic location: 20p11.22.
Variant type: single nucleotide variant.
Coding change: c.115C>T on transcript NM_001257096.2 (MANE Select); coding-DNA position 115, C replaced by T.
Protein change: p.Arg39Cys; replaces arginine 39 with cysteine.
Molecular consequence: missense variant.
Genome position (GRCh38, 1-based): chr20:21,705,827, C>T. VCF-style: chr20-21705827-C-T. GRCh37 (hg19) VCF-style: chr20-21686465-C-T.
Other names: c.115C>T, p.Arg39Cys (NM_006192.5); c.115C>T (NM_006192.3); short protein forms R39C.
Identifiers: ClinVar variation 423294 (VCV000423294.8), dbSNP rs756490329, ClinGen allele CA9786386.
Genomic context (GRCh38, chr20:21,705,827, plus strand): 5'-GCAGCAGCGGCGGCGGCAGGCCCTGGAGCGGGCGGCAGCGCGCTCCGCTGCCGCGCACAG[C>T]GCGTCTCCAGCCCGCGGCTGGGCCGCCGCGGCTCTCGGCTCTCGGGCGCCCTCCCTCTAT-3'
Protein context (NP_001244025.1, residues 29-49): GGSALRCRAQ[Arg39Cys]VSSPRLGRRG